The following is an entry in ClinVar:

NM_004187.5(KDM5C):c.2414G>A (p.Arg805Lys)

Gene: KDM5C (lysine demethylase 5C; minus strand). Cytogenetic location: Xp11.22.
Variant type: single nucleotide variant.
Coding change: c.2414G>A on transcript NM_004187.5 (MANE Select); coding-DNA position 2414, G replaced by A.
Protein change: p.Arg805Lys; replaces arginine 805 with lysine.
Molecular consequence: missense variant. On other transcripts: non-coding transcript variant (3).
Genome position (GRCh38, 1-based): chrX:53,198,592, C>T on the plus strand (G>A on the coding strand, the complement: KDM5C is on the minus strand). VCF-style: chrX-53198592-C-T. GRCh37 (hg19) VCF-style: chrX-53227774-C-T.
Other names: c.2213G>A, p.Arg738Lys (NM_001146702.2); c.2411G>A, p.Arg804Lys (NM_001282622.3, NM_001353979.2, NM_001353982.2); c.2414G>A, p.Arg805Lys (NM_001353978.3, NM_001353981.2, NM_001353984.2); short protein forms R738K, R804K, R805K.
Identifiers: ClinVar variation 3383514 (VCV003383514.1).
Genomic context (GRCh38, chrX:53,198,592, plus strand): 5'-CAAGCCTCTGCCTCACTCAGGCAGTTCTTTAGTTGCTGCAGCAGCTCACTATTAGGAAAC[C>T]TCCGCTCACGGGCTTCAGACTCTAGTGCCCTCAGTTCTTCAAGGCCTGGAAGAAAAATGA-3'
Protein context (NP_004178.2, residues 795-815): RALESEARER[Arg805Lys]FPNSELLQQL

ClinVar aggregate classification (germline): Uncertain significance (1 of 4 stars; one submission).

gnomAD v4.1: 1 of 1,210,443 alleles (0.000083%); highest among the groups gnomAD compares: African/African-American, 0.0017%; no homozygotes.

Submission:

GeneDx
Classification: Uncertain significance. Last evaluated: 2024-05-29. Review status: criteria provided, single submitter. Criteria: GeneDx Variant Classification Process June 2021. Collection method: clinical testing. Allele origin: germline. Affected: yes.
Comment: Not observed at significant frequency in large population cohorts (gnomAD); In silico analysis indicates that this missense variant does not alter protein structure/function; Has not been previously published as pathogenic or benign to our knowledge